The following is an entry in ClinVar:

ClinVar aggregate classification (germline): Benign/Likely benign. Review status: criteria provided, multiple submitters, no conflicts (2 of 4 stars). 7 submissions from 7 submitters: Benign (3); Likely benign (3). 1 of the submissions does not count toward it. Last evaluated 2026-02-02.

Conditions:
NEBL-related disorder. Also called: NEBL-related condition.
Primary dilated cardiomyopathy (DCM). Also called: Dilated Cardiomyopathy. Identifiers: Orphanet 217604, MedGen C0007193, MeSH D002311, MONDO:0005021, HP:0001644. Inheritance: Various modes of inheritance.

Allele frequency attached by ClinVar (database versions not stated): gnomAD exomes 0.00062 and 0.00186; ExAC 0.00244; gnomAD 0.00726 and 0.00786; 1000 Genomes Project 30x 0.00750; 1000 Genomes Project 0.00799; ESP Exome Variant Server 0.00815; TOPMed 0.00853.
gnomAD v4.1: 2,051 of 1,611,320 alleles (0.13%); highest among the groups gnomAD compares: African/African-American, 2.4%; 18 homozygotes.

Submissions (7):

Labcorp Genetics (formerly Invitae), Labcorp
Classification: Benign for Primary dilated cardiomyopathy. Last evaluated: 2026-02-02. Review status: criteria provided, single submitter. Criteria: Invitae Variant Classification Sherloc (09022015). Collection method: clinical testing. Allele origin: germline.

Women's Health and Genetics/Laboratory Corporation of America, LabCorp
Classification: Likely benign. Last evaluated: 2023-08-19. Review status: criteria provided, single submitter. Criteria: LabCorp Variant Classification Summary - May 2015. Collection method: clinical testing. Allele origin: germline.

Ambry Genetics
Classification: Likely benign. Last evaluated: 2016-03-29. Review status: criteria provided, single submitter. Criteria: Ambry Variant Classification Scheme 2023. Collection method: clinical testing. Allele origin: germline.

GeneDx
Classification: Benign. Last evaluated: 2015-03-03. Review status: criteria provided, single submitter. Criteria: GeneDx Variant Classification Process June 2021. Collection method: clinical testing. Allele origin: germline. Affected: yes.

Laboratory for Molecular Medicine, Mass General Brigham Personalized Medicine
Classification: Benign. Last evaluated: 2012-03-19. Review status: criteria provided, single submitter. Criteria: LMM Criteria. Collection method: clinical testing. Allele origin: germline. Observed: 14 variant alleles.
Comment: p.Lys64Arg in Exon 03 of NEBL: This variant is not expected to have clinical sig nificance because it has been identified in 2.4% (91/3734) of African American c hromosomes from a broad population by the NHLBI Exome Sequencing Project (dbSNP rs71578975).

Breakthrough Genomics
Classification: Likely benign. Review status: criteria provided, single submitter. Criteria: ACMG Guidelines, 2015. Collection method: not provided. Allele origin: germline. Inheritance: Unknown mechanism. Affected: yes.

PreventionGenetics, part of Exact Sciences
Classification: Benign for NEBL-related condition. Last evaluated: 2019-04-11. Review status: no assertion criteria provided. Collection method: clinical testing. Allele origin: germline. Not counted in ClinVar's aggregate classification.
Comment: This variant is classified as benign based on ACMG/AMP sequence variant interpretation guidelines (Richards et al. 2015 PMID: 25741868, with internal and published modifications).

NM_006393.3(NEBL):c.191A>G (p.Lys64Arg)

Gene: NEBL (nebulette; minus strand). Cytogenetic location: 10p12.31.
Variant type: single nucleotide variant.
Coding change: c.191A>G on transcript NM_006393.3 (MANE Select); coding-DNA position 191, A replaced by G.
Protein change: p.Lys64Arg; replaces lysine 64 with arginine.
Molecular consequence: missense variant. On other transcripts: intron variant (9).
Genome position (GRCh38, 1-based): chr10:20,889,912, T>C on the plus strand (A>G on the coding strand, the complement: NEBL is on the minus strand). VCF-style: chr10-20889912-T-C. GRCh37 (hg19) VCF-style: chr10-21178841-T-C.
Other names: c.249+71760A>G (NM_001377326.1, NM_001377327.1, NM_001377328.1); c.357+71760A>G (NM_213569.2, NM_001173484.2, NM_001377322.1); c.300+71760A>G (NM_001377324.1); c.291+71760A>G (NM_001377325.1); c.309+71760A>G (NM_001377323.1); short protein forms K64R.
Identifiers: ClinVar variation 164769 (VCV000164769.24), dbSNP rs71578975, ClinGen allele CA177461.